The following is an entry in ClinVar:

NM_001972.4(ELANE):c.550A>C (p.Ser184Arg)

Gene: ELANE (elastase, neutrophil expressed; plus strand). Cytogenetic location: 19p13.3.
Variant type: single nucleotide variant.
Coding change: c.550A>C on transcript NM_001972.4 (MANE Select); coding-DNA position 550, A replaced by C.
Protein change: p.Ser184Arg; replaces serine 184 with arginine.
Molecular consequence: missense variant.
Genome position (GRCh38, 1-based): chr19:855,747, A>C. VCF-style: chr19-855747-A-C. GRCh37 (hg19) VCF-style: chr19-855747-A-C.
Other names: c.550A>C (NM_001972.2); short protein forms S184R.
Identifiers: ClinVar variation 1370846 (VCV001370846.7), dbSNP rs2035668478, ClinGen allele CA402918644.
Genomic context (GRCh38, chr19:855,747, plus strand): 5'-GGGATCGCCAGCGTCCTGCAGGAGCTCAACGTGACGGTGGTGACGTCCCTCTGCCGTCGC[A>C]GCAACGTCTGCACTCTCGTGAGGGGCCGGCAGGCCGGCGTCTGTTTCGTACGTGCCCTGG-3'
Protein context (NP_001963.1, residues 174-194): VTVVTSLCRR[Ser184Arg]NVCTLVRGRQ

ClinVar aggregate classification (germline): Uncertain significance. Review status: criteria provided, multiple submitters, no conflicts (2 of 4 stars). 2 submissions from 2 submitters: Uncertain significance (2). Last evaluated 2024-12-10.

Conditions:
Cyclical neutropenia. Also called: Cyclic hematopoiesis; Cyclic Neutropenia. Identifiers: Orphanet 2686, MedGen C0221023, MONDO:0008090, OMIM 162800, HP:0040289. Disease mechanism: loss of function.
Neutropenia, severe congenital, 1, autosomal dominant. Identifiers: MedGen C1859966, MONDO:0042490, OMIM 202700.
Inborn genetic diseases. Identifiers: MedGen C0950123, MeSH D030342.

Allele frequency attached by ClinVar (database versions not stated): TOPMed below 0.00001.

Submissions (2):

Ambry Genetics
Classification: Uncertain significance for Inborn genetic diseases. Last evaluated: 2024-12-10. Review status: criteria provided, single submitter. Criteria: Ambry Variant Classification Scheme 2023. Collection method: clinical testing. Allele origin: germline.
Comment: The p.S184R variant (also known as c.550A>C), located in coding exon 4 of the ELANE gene, results from an A to C substitution at nucleotide position 550. The serine at codon 184 is replaced by arginine, an amino acid with dissimilar properties. This amino acid position is conserved. In addition, the in silico prediction for this alteration is inconclusive. Based on the available evidence, the clinical significance of this variant remains unclear.

Labcorp Genetics (formerly Invitae), Labcorp
Classification: Uncertain significance for Neutropenia, severe congenital, 1, autosomal dominant; Cyclical neutropenia. Last evaluated: 2022-08-16. Review status: criteria provided, single submitter. Criteria: Invitae Variant Classification Sherloc (09022015). Collection method: clinical testing. Allele origin: germline.
Comment: In summary, the available evidence is currently insufficient to determine the role of this variant in disease. Therefore, it has been classified as a Variant of Uncertain Significance. Algorithms developed to predict the effect of missense changes on protein structure and function output the following: SIFT: "Tolerated"; PolyPhen-2: "Benign"; Align-GVGD: "Class C0". The arginine amino acid residue is found in multiple mammalian species, which suggests that this missense change does not adversely affect protein function. ClinVar contains an entry for this variant (Variation ID: 1370846). This variant has not been reported in the literature in individuals affected with ELANE-related conditions. This variant is not present in population databases (gnomAD no frequency). This sequence change replaces serine, which is neutral and polar, with arginine, which is basic and polar, at codon 184 of the ELANE protein (p.Ser184Arg).